The following is an entry in ClinVar:

NM_207122.2(EXT2):c.168G>A (p.Trp56Ter)

Gene: EXT2 (exostosin glycosyltransferase 2; plus strand). Cytogenetic location: 11p11.2.
Variant type: single nucleotide variant.
Coding change: c.168G>A on transcript NM_207122.2 (MANE Select); coding-DNA position 168, G replaced by A.
Protein change: p.Trp56Ter; replaces tryptophan 56 with a stop codon.
Molecular consequence: nonsense.
Genome position (GRCh38, 1-based): chr11:44,107,880, G>A. VCF-style: chr11-44107880-G-A. GRCh37 (hg19) VCF-style: chr11-44129430-G-A.
Other names: c.267G>A, p.Trp89Ter (NM_000401.3); c.168G>A, p.Trp56Ter (NM_001178083.3, NM_001389628.1, NM_001389630.1); short protein forms W56*, W89*.
Identifiers: ClinVar variation 2431585 (VCV002431585.2), dbSNP rs752132275, ClinGen allele CA380179769.

ClinVar aggregate classification (germline): Likely pathogenic (1 of 4 stars; one submission).

Conditions:
Exostoses, multiple, type 2 (EXT2). Also called: EXOSTOSES, MULTIPLE, TYPE II; Hereditary Multiple Osteochondromatosis, Type II. Identifiers: Orphanet 321, MedGen C1851413, MONDO:0007586, OMIM 133701.

Submission:

Laboratorio de Genetica e Diagnostico Molecular, Hospital Israelita Albert Einstein
Classification: Likely pathogenic for Exostoses, multiple, type 2. Last evaluated: 2022-09-30. Review status: criteria provided, single submitter. Criteria: ACMG Guidelines, 2015. Collection method: clinical testing. Allele origin: germline. Affected: yes.
Comment: ACMG classification criteria: PVS1 very strong, PM2 moderated